The following is an entry in ClinVar:

ClinVar aggregate classification (germline): Likely benign. Review status: criteria provided, single submitter (1 of 4 stars). 2 submissions from 2 submitters: Likely benign (1). 1 of the submissions does not count toward it. Last evaluated 2023-04-03.

Conditions:
Lynch syndrome. Identifiers: Orphanet 144, MedGen C4552100, MONDO:0005835. Disease mechanism: loss of function.
PMS2-related disorder. Also called: PMS2-related condition.

Allele frequency attached by ClinVar (database versions not stated): gnomAD exomes 0.00001.
gnomAD v4.1: 3 of 1,612,436 alleles (0.00019%); highest among the groups gnomAD compares: Admixed American, 0.005%; no homozygotes.

Submissions (2):

All of Us Research Program, National Institutes of Health
Classification: Likely benign for Lynch syndrome. Last evaluated: 2023-04-03. Review status: criteria provided, single submitter. Criteria: ACMG Guidelines, 2015. Collection method: clinical testing. Allele origin: germline. Inheritance: Autosomal dominant inheritance. Observed: 1 variant allele, 1 heterozygote.
Comment: This study involves interpretation of variants in research participants for the purpose of population health screening. Participant phenotype was not available at the time of variant classification. Additional details can be found in publication PMID: 35346344, PMCID: PMC8962531

PreventionGenetics, part of Exact Sciences
Classification: Likely benign for PMS2-related condition. Last evaluated: 2024-08-29. Review status: no assertion criteria provided. Collection method: clinical testing. Allele origin: germline. Not counted in ClinVar's aggregate classification.
Comment: This variant is classified as likely benign based on ACMG/AMP sequence variant interpretation guidelines (Richards et al. 2015 PMID: 25741868, with internal and published modifications).

NM_000535.7(PMS2):c.23+24G>A

Gene: PMS2 (PMS1 homolog 2, mismatch repair system component; minus strand). Cytogenetic location: 7p22.1.
Variant type: single nucleotide variant.
Coding change: c.23+24G>A on transcript NM_000535.7 (MANE Select); 24 bases into the intron after coding-DNA position 23, G replaced by A.
Molecular consequence: intron variant. On other transcripts: 5 prime UTR variant (8).
Genome position (GRCh38, 1-based): chr7:6,008,973, C>T on the plus strand (G>A on the coding strand, the complement: PMS2 is on the minus strand). VCF-style: chr7-6008973-C-T. GRCh37 (hg19) VCF-style: chr7-6048604-C-T.
Other names: c.-549G>A (NM_001322005.2); c.-544G>A (NM_001322009.2, NM_001406897.1); c.-628G>A (NM_001406875.1, NM_001406882.1); c.-795G>A (NM_001406877.1); c.-496G>A (NM_001406894.1); c.-531G>A (NM_001406898.1); c.-53+24G>A (NM_001322008.2); c.-219+24G>A (NM_001406881.1); and 19 more.
Identifiers: ClinVar variation 3070206 (VCV003070206.2), dbSNP rs1258175478, ClinGen allele CA572549990.